The following is an entry in ClinVar:

ClinVar aggregate classification (germline): Uncertain significance (1 of 4 stars; one submission).

Conditions:
Developmental and epileptic encephalopathy, 37 (DEE37). Also called: Epileptic encephalopathy, early infantile, 37. Identifiers: MedGen C4310770, MONDO:0014859, OMIM 616981.

Submission:

Labcorp Genetics (formerly Invitae), Labcorp
Classification: Uncertain significance for Developmental and epileptic encephalopathy, 37. Last evaluated: 2022-02-09. Review status: criteria provided, single submitter. Criteria: Invitae Variant Classification Sherloc (09022015). Collection method: clinical testing. Allele origin: germline.
Comment: This sequence change replaces aspartic acid, which is acidic and polar, with asparagine, which is neutral and polar, at codon 83 of the FRRS1L protein (p.Asp83Asn). The frequency data for this variant in the population databases is considered unreliable, as metrics indicate insufficient coverage at this position in the gnomAD database. This variant has not been reported in the literature in individuals affected with FRRS1L-related conditions. Algorithms developed to predict the effect of missense changes on protein structure and function are either unavailable or do not agree on the potential impact of this missense change (SIFT: "Tolerated"; PolyPhen-2: "Possibly Damaging"; Align-GVGD: "Class C0"). In summary, the available evidence is currently insufficient to determine the role of this variant in disease. Therefore, it has been classified as a Variant of Uncertain Significance.

NM_014334.4(FRRS1L):c.94G>A (p.Asp32Asn)

Gene: FRRS1L (ferric chelate reductase 1 like; minus strand). Cytogenetic location: 9q31.3.
Variant type: single nucleotide variant.
Coding change: c.94G>A on transcript NM_014334.4 (MANE Select); coding-DNA position 94, G replaced by A.
Protein change: p.Asp32Asn; replaces aspartic acid 32 with asparagine.
Molecular consequence: missense variant.
Genome position (GRCh38, 1-based): chr9:109,167,045, C>T on the plus strand (G>A on the coding strand, the complement: FRRS1L is on the minus strand). VCF-style: chr9-109167045-C-T. GRCh37 (hg19) VCF-style: chr9-111929325-C-T.
Other names: short protein forms D32N.
Identifiers: ClinVar variation 2092965 (VCV002092965.4), dbSNP rs2538515805, ClinGen allele CA374430515.